The following is an entry in ClinVar:

NM_007078.3(LDB3):c.1313C>A (p.Thr438Asn)

Gene: LDB3 (LIM domain binding 3; plus strand). Cytogenetic location: 10q23.2.
Variant type: single nucleotide variant.
Coding change: c.1313C>A on transcript NM_007078.3 (MANE Select); coding-DNA position 1313, C replaced by A.
Protein change: p.Thr438Asn; replaces threonine 438 with asparagine.
Molecular consequence: missense variant.
Genome position (GRCh38, 1-based): chr10:86,716,408, C>A. VCF-style: chr10-86716408-C-A. GRCh37 (hg19) VCF-style: chr10-88476165-C-A.
Other names: c.983C>A, p.Thr328Asn (NM_001080114.2); c.1328C>A, p.Thr443Asn (NM_001171610.2); c.1124C>A, p.Thr375Asn (NM_001368064.1, NM_001368065.1); c.1172C>A, p.Thr391Asn (NM_001368066.1); short protein forms T328N, T375N, T391N, T438N, T443N.
Identifiers: ClinVar variation 1052977 (VCV001052977.15), dbSNP rs767914340, ClinGen allele CA5585129.

ClinVar aggregate classification (germline): Conflicting classifications of pathogenicity. Review status: criteria provided, conflicting classifications (1 of 4 stars). 4 submissions from 4 submitters: Uncertain significance (1); Likely benign (1). 2 of the submissions do not count toward it. Last evaluated 2025-11-10.

Conditions:
Cardiovascular phenotype. Identifiers: MedGen CN230736.
Myofibrillar myopathy 4. Also called: Zaspopathy (type). Identifiers: Orphanet 98912, MedGen C4721886, MONDO:0012277, OMIM 609452.

Allele frequency attached by ClinVar (database versions not stated): gnomAD exomes 0.00001; ExAC 0.00004.

Submissions (4):

Labcorp Genetics (formerly Invitae), Labcorp
Classification: Uncertain significance for Myofibrillar myopathy 4. Last evaluated: 2025-11-10. Review status: criteria provided, single submitter. Criteria: Invitae Variant Classification Sherloc (09022015). Collection method: clinical testing. Allele origin: germline.
Comment: The LDB3 gene has multiple clinically relevant transcripts. This variant occurs in alternate transcript NM_007078.3, and corresponds to NM_001080116.1:c.*17034C>A in the primary transcript. This sequence change replaces threonine, which is neutral and polar, with asparagine, which is neutral and polar, at codon 438 of the LDB3 protein (p.Thr438Asn). The frequency data for this variant in the population databases is considered unreliable, as metrics indicate poor data quality at this position in the gnomAD database. This variant has not been reported in the literature in individuals affected with LDB3-related conditions. Experimental studies and prediction algorithms are not available or were not evaluated, and the functional significance of this variant is currently unknown. In summary, the available evidence is currently insufficient to determine the role of this variant in disease. Therefore, it has been classified as a Variant of Uncertain Significance.

Ambry Genetics
Classification: Likely benign for Cardiovascular phenotype. Last evaluated: 2025-11-03. Review status: criteria provided, single submitter. Criteria: Ambry Variant Classification Scheme 2023. Collection method: clinical testing. Allele origin: germline.

Clinical Genetics DNA and cytogenetics Diagnostics Lab, Erasmus MC, Erasmus Medical Center
Classification: Uncertain significance. Review status: no assertion criteria provided. Collection method: clinical testing. Allele origin: germline. Affected: yes. Study: VKGL Data-share Consensus. Not counted in ClinVar's aggregate classification.

Laboratory of Diagnostic Genome Analysis, Leiden University Medical Center (LUMC)
Classification: Uncertain significance. Review status: no assertion criteria provided. Collection method: clinical testing. Allele origin: germline. Affected: yes. Study: VKGL Data-share Consensus. Not counted in ClinVar's aggregate classification.

Literature cited by the submitters: PubMed 29773157 (cited by Ambry Genetics).